The following is an entry in ClinVar:

NM_001009944.3(PKD1):c.4511del (p.Asp1504fs)

Gene: PKD1 (polycystin 1, transient receptor potential channel interacting; minus strand). Cytogenetic location: 16p13.3.
Variant type: Deletion.
Coding change: c.4511del on transcript NM_001009944.3 (MANE Select); coding-DNA position 4511, one base deleted (A; older notation c.4511delA).
Protein change: p.Asp1504fs; shifts the reading frame from aspartic acid 1504.
Molecular consequence: frameshift variant.
Genome position (GRCh38, 1-based): chr16:2,110,656, T deleted on the plus strand (A on the coding strand, the reverse complement: PKD1 is on the minus strand). VCF-style (leftmost placement, unchanged base first): chr16-2110655-GT-G. GRCh37 (hg19) VCF-style: chr16-2160656-GT-G.
Other names: c.4511del, p.Asp1504fs (NM_000296.4); short protein forms D1504fs.
Identifiers: ClinVar variation 3256582 (VCV003256582.1).

ClinVar aggregate classification (germline): Likely pathogenic (1 of 4 stars; one submission).

Conditions:
Polycystic kidney disease, adult type (PKD1). Also called: Polycystic Kidney Disease 1, Autosomal Dominant; Polycystic kidney disease 1; Polycystic kidney disease 1, severe; POLYCYSTIC KIDNEY DISEASE, ADULT, TYPE I; Polycystic Kidney, Autosomal Dominant; POLYCYSTIC KIDNEY DISEASE 1 WITH OR WITHOUT POLYCYSTIC LIVER DISEASE. Identifiers: MedGen C3149841, MONDO:0008263, OMIM 173900.

Submission:

Laboratory of Medical Genetics, National & Kapodistrian University of Athens
Classification: Likely pathogenic for Polycystic kidney disease, adult type. Last evaluated: 2024-02-02. Review status: criteria provided, single submitter. Criteria: ACMG Guidelines, 2015. Collection method: clinical testing. Allele origin: germline. Affected: yes.
Comment: PVS1, PM2 - The variant is expected to result in an absent or disrupted protein product. Low frequency in gnomAD population databases.